The following is an entry in ClinVar:

ClinVar aggregate classification (germline): Uncertain significance (1 of 4 stars; one submission).

Submission:

ARUP Laboratories, Molecular Genetics and Genomics, ARUP Laboratories
Classification: Uncertain significance. Last evaluated: 2025-06-19. Review status: criteria provided, single submitter. Criteria: ARUP Molecular Germline Variant Investigation Process 2024. Collection method: clinical testing. Allele origin: germline.
Comment: The UGT1A1 c.1210A>T; p.Met404Leu variant, to our knowledge, is not reported in the medical literature or gene specific databases. This variant is also absent from the Genome Aggregation Database (v2.1.1), indicating it is not a common polymorphism. Computational analyses are uncertain whether this variant is neutral or deleterious (REVEL: 0.285). Due to limited information, the clinical significance of this variant is uncertain at this time.

NM_000463.3(UGT1A1):c.1210A>T (p.Met404Leu)

Genes: UGT1A (UDP glucuronosyltransferase family 1 member A complex locus; plus strand), UGT1A1 (UDP glucuronosyltransferase family 1 member A1; plus strand), UGT1A10 (UDP glucuronosyltransferase family 1 member A10; plus strand), UGT1A3 (UDP glucuronosyltransferase family 1 member A3; plus strand), UGT1A4 (UDP glucuronosyltransferase family 1 member A4; plus strand) and 5 more. Cytogenetic location: 2q37.1.
Variant type: single nucleotide variant.
Coding change: c.1210A>T on transcript NM_000463.3 (MANE Select); coding-DNA position 1210, A replaced by T.
Protein change: p.Met404Leu; replaces methionine 404 with leucine.
Molecular consequence: missense variant.
Genome position (GRCh38, 1-based): chr2:233,768,345, A>T. VCF-style: chr2-233768345-A-T. GRCh37 (hg19) VCF-style: chr2-234676991-A-T.
Other names: c.1201A>T, p.Met401Leu (NM_019075.4, NM_019076.5, NM_019077.3 and 1 more transcripts); c.1213A>T, p.Met405Leu (NM_007120.3, NM_019093.4, NM_019078.2); c.1207A>T, p.Met403Leu (NM_001072.4); c.406A>T, p.Met136Leu (NM_205862.3); short protein forms M136L, M401L, M403L, M404L, M405L.
Identifiers: ClinVar variation 4685895 (VCV004685895.1).
Genomic context (GRCh38, chr2:233,768,345, plus strand): 5'-AATGGCGTTCCCATGGTGATGATGCCCTTGTTTGGTGATCAGATGGACAATGCAAAGCGC[A>T]TGGAGACTAAGGGAGCTGGAGTGACCCTGAATGTTCTGGAAATGACTTCTGAAGATTTAG-3'
Protein context (NP_000454.1, residues 394-414): FGDQMDNAKR[Met404Leu]ETKGAGVTLN